The following is an entry in ClinVar:

ClinVar aggregate classification (germline): Conflicting classifications of pathogenicity. Review status: criteria provided, conflicting classifications (1 of 4 stars). 6 submissions from 6 submitters: Pathogenic (1); Likely pathogenic (1); Uncertain significance (4). Last evaluated 2025-03-30.

Conditions:
Congenital contractural arachnodactyly (CCA). Also called: BEALS SYNDROME; Beals-Hecht syndrome; Arthrogryposis, distal, type 9. Identifiers: Orphanet 115, MedGen C0220668, MONDO:0007363, OMIM 121050.
Macular degeneration, early-onset (EOMD). Identifiers: MedGen C4015286, MONDO:0014501, OMIM 616118.

Allele frequency attached by ClinVar (database versions not stated): TOPMed below 0.00001.

Submissions (6):

GeneDx
Classification: Uncertain significance. Last evaluated: 2025-03-30. Review status: criteria provided, single submitter. Criteria: GeneDx Variant Classification Process June 2021. Collection method: clinical testing. Allele origin: germline.
Comment: Identified in a patient with tall stature, arachnodactyly, camptodactyly, scoliosis, pectus deformity, myopia, and beaked nose but it is unknown whether this individual was screened for variants in other genes associated with this phenotype (PMID: 19006240); Identified in an individual with pes planus, pectus abnormality, facial features, elbow hyperextensibility, high myopia, mild aortic dilatation, severe lumbar scoliosis, wrist and thumb sign, high-arched palate, and Marfanoid habitus who also harbored a variant in the FBN1 gene (PMID: 31506931); In silico analysis supports that this missense variant has a deleterious effect on protein structure/function; In silico analysis is inconclusive as to whether the variant alters gene splicing. In the absence of RNA/functional studies, the actual effect of this sequence change is unknown.; Not observed at significant frequency in large population cohorts (gnomAD); This variant is associated with the following publications: (PMID: 19006240, 31506931)

Labcorp Genetics (formerly Invitae), Labcorp
Classification: Pathogenic for Congenital contractural arachnodactyly. Last evaluated: 2022-10-24. Review status: criteria provided, single submitter. Criteria: Invitae Variant Classification Sherloc (09022015). Collection method: clinical testing. Allele origin: germline.
Comment: ClinVar contains an entry for this variant (Variation ID: 458759). This sequence change replaces glutamic acid, which is acidic and polar, with lysine, which is basic and polar, at codon 1161 of the FBN2 protein (p.Glu1161Lys). This variant is not present in population databases (gnomAD no frequency). This missense change has been observed in individual(s) with autosomal dominant congenital contractural arachnodactyly (PMID: 19006240, 31506931). It has also been observed to segregate with disease in related individuals. Advanced modeling of protein sequence and biophysical properties (such as structural, functional, and spatial information, amino acid conservation, physicochemical variation, residue mobility, and thermodynamic stability) performed at Invitae indicates that this missense variant is expected to disrupt FBN2 protein function. Algorithms developed to predict the effect of sequence changes on RNA splicing suggest that this variant may disrupt the consensus splice site. For these reasons, this variant has been classified as Pathogenic.

CeGaT Center for Human Genetics Tuebingen
Classification: Uncertain significance. Last evaluated: 2019-11-01. Review status: criteria provided, single submitter. Criteria: CeGaT Center For Human Genetics Tuebingen Variant Classification Criteria Version 2. Collection method: clinical testing. Allele origin: germline. Affected: yes. Observed: 1 variant allele.

Fulgent Genetics
Classification: Uncertain significance for Congenital contractural arachnodactyly; Macular degeneration, early-onset. Last evaluated: 2018-10-31. Review status: criteria provided, single submitter. Criteria: ACMG Guidelines, 2015. Collection method: clinical testing. Allele origin: unknown.

Center for Genomics, Ann and Robert H. Lurie Children's Hospital of Chicago
Classification: Uncertain significance for Macular degeneration, early-onset; Congenital contractural arachnodactyly. Review status: criteria provided, single submitter. Criteria: ACMG Guidelines, 2015. Collection method: clinical testing. Allele origin: germline.
Comment: FBN2 NM_001999.3 exon27 p.Glu1161Lys (c.3481G>A): This variant has been reported in the literature in 1 individual with congenital contractural arachnodactyly, segregating with disease in 4 affected family members (Callewaert 2009 PMID:19006240). Additionally, this variant is not present in large control databases. This variant is present in ClinVar (Variation ID: 458759). Evolutionary consevation and computational predictive tools suggest that this variant may impact the protein. In summary, data on this variant is insufficient for disease classification. Therefore, the clinical significance of this variant is uncertain

Clinical Biomedical Laboratory, Shriners Hospital For Children - Canada
Classification: Likely pathogenic for Congenital contractural arachnodactyly. Review status: criteria provided, single submitter. Criteria: ACMG Guidelines, 2015. Collection method: clinical testing. Allele origin: germline. Affected: yes.
Comment: This variant is predicted to substitute a glutamate residue by a lyusine residue in FBN2. This variant is absent in the Genome Aggregation Database (gnomAD v2.1.1), indicating it is very rare. Computational tools (REVEL: 0.97 suggest that the amino acid change is deleterious to protein function. The gene is associated with congenital contractural arachnodactyly, which is in accordance with the clinical phenotype of the proband. This variant has been reported as a cause of congenital contractural arachnodactyly in 2 publications (PMID 31506931; 19006240). Based on the ACMG variant interpretation guidelines (criteria: PM2, PM5, PP3), the available evidence supports classification of this variant as likely pathogenic.

Literature cited by the submitters: PubMed 19006240 (cited by Labcorp Genetics (formerly Invitae), Labcorp); PubMed 31506931 (cited by Labcorp Genetics (formerly Invitae), Labcorp).

NM_001999.4(FBN2):c.3481G>A (p.Glu1161Lys)

Gene: FBN2 (fibrillin 2; minus strand). Cytogenetic location: 5q23.3.
Variant type: single nucleotide variant.
Coding change: c.3481G>A on transcript NM_001999.4 (MANE Select); coding-DNA position 3481, G replaced by A.
Protein change: p.Glu1161Lys; replaces glutamic acid 1161 with lysine.
Molecular consequence: missense variant.
Genome position (GRCh38, 1-based): chr5:128,338,114, C>T on the plus strand (G>A on the coding strand, the complement: FBN2 is on the minus strand). VCF-style: chr5-128338114-C-T. GRCh37 (hg19) VCF-style: chr5-127673806-C-T.
Other names: short protein forms E1161K.
Identifiers: ClinVar variation 458759 (VCV000458759.54), dbSNP rs1554123065, ClinGen allele CA360759585.
Genomic context (GRCh38, chr5:128,338,114, plus strand): 5'-AGCTGCCCTCAGTGTTCACACAGGTGCCACCCCTACAAAGGAGAGGGTTACGTTCACATT[C>T]GTCAATGTCTGAAAGGTAAAAACGTGAGATCCATTAAAGAACTCTGAGGGAAAAATATTC-3'
Protein context (NP_001990.2, residues 1151-1171): MMMKNCMDID[Glu1161Lys]CERNPLLCRG